The following is an entry in ClinVar:

NM_001081442.3(LILRB5):c.1557C>T (p.Asp519=)

Gene: LILRB5 (leukocyte immunoglobulin like receptor B5; minus strand). Cytogenetic location: 19q13.42.
Variant type: single nucleotide variant.
Coding change: c.1557C>T on transcript NM_001081442.3 (MANE Select); coding-DNA position 1557, C replaced by T.
Protein change: p.Asp519=; no amino-acid change (aspartic acid 519 retained).
Molecular consequence: synonymous variant.
Genome position (GRCh38, 1-based): chr19:54,252,385, G>A on the plus strand (C>T on the coding strand, the complement: LILRB5 is on the minus strand). VCF-style: chr19-54252385-G-A. GRCh37 (hg19) VCF-style: chr19-54756248-G-A.
Other names: c.1257C>T, p.Asp419= (NM_001081443.3); c.1530C>T, p.Asp510= (NM_001304457.3, NM_001412269.1); c.1554C>T, p.Asp518= (NM_006840.5).
Identifiers: ClinVar variation 2650433 (VCV002650433.24), dbSNP rs147630506, ClinGen allele CA309425974.

ClinVar aggregate classification (germline): Likely benign (1 of 4 stars; one submission).

Allele frequency attached by ClinVar (database versions not stated): gnomAD exomes 0.00053; ExAC 0.00065; gnomAD 0.00074; TOPMed 0.00076; ESP Exome Variant Server 0.00085.
gnomAD v4.1: 942 of 1,614,012 alleles (0.058%); highest among the groups gnomAD compares: Admixed American, 0.11%; 9 homozygotes.

Submission:

CeGaT Center for Human Genetics Tuebingen
Classification: Likely benign. Last evaluated: 2022-04-01. Review status: criteria provided, single submitter. Criteria: CeGaT Center For Human Genetics Tuebingen Variant Classification Criteria Version 2. Collection method: clinical testing. Allele origin: germline. Affected: yes. Observed: 1 variant allele.
Comment: LILRB5: BP4, BP7